The following is an entry in ClinVar:

NM_001369.3(DNAH5):c.12238dup (p.Glu4080fs)

Gene: DNAH5 (dynein axonemal heavy chain 5; minus strand). Cytogenetic location: 5p15.2.
Variant type: Duplication.
Coding change: c.12238dup on transcript NM_001369.3 (MANE Select); coding-DNA position 12238, one base duplicated (G; older notation c.12238dupG).
Protein change: p.Glu4080fs; shifts the reading frame from glutamic acid 4080.
Molecular consequence: frameshift variant.
Genome position (GRCh38, 1-based): chr5:13,721,041, C duplicated on the plus strand (G on the coding strand, the reverse complement: DNAH5 is on the minus strand); the first of 2 consecutive C bases (chr5:13,721,041-13,721,042); duplicating either gives the same sequence. VCF-style (leftmost placement, unchanged base first): chr5-13721040-T-TC. GRCh37 (hg19) VCF-style: chr5-13721149-T-TC.
Other names: short protein forms E4080fs.
Identifiers: ClinVar variation 5015933 (VCV005015933.1).
Genomic context (GRCh38, chr5:13,721,040, plus strand): 5'-AGTAGACTATTCAGCCTTACGTTCGCCATGGTCTGCTGCAAGAGCTTCCGAGCATGGACT[T>TC]CCTGGCCCTGGCCCATGGACACATAACGGGTTTCTATTTTTAATCTCTTCCCCAAGGCAA-3'

ClinVar aggregate classification (germline): Pathogenic (1 of 4 stars; one submission).

Conditions:
Primary ciliary dyskinesia 3. Identifiers: Orphanet 244, MedGen C1837618, MONDO:0012085, OMIM 608644.

Submission:

Myriad Genetics, Inc.
Classification: Pathogenic for Primary ciliary dyskinesia 3. Last evaluated: 2026-05-19. Review status: criteria provided, single submitter. Criteria: Myriad Autosomal Dominant, Autosomal Recessive and X-Linked Classification Criteria (2023). Collection method: clinical testing. Allele origin: unknown.
Comment: NM_001369.2(DNAH5):c.12238dupG(E4080Gfs*28) is expected to be pathogenic in the context of primary ciliary dyskinesia, DNAH5-related. This variant is predicted to lead to an abnormal or absent protein product due to the creation of a premature termination codon in DNAH5, a gene where loss-of-function variants are known to be pathogenic. Please note: this variant was assessed in the context of healthy population screening.